The following is an entry in ClinVar:

ClinVar aggregate classification (germline): Benign. Review status: criteria provided, multiple submitters, no conflicts (2 of 4 stars). 5 submissions from 5 submitters: Benign (4). 1 of the submissions does not count toward it. Last evaluated 2026-02-02.

Conditions:
TMEM240-related disorder. Also called: TMEM240-related condition.

Allele frequency attached by ClinVar (database versions not stated): gnomAD 0.06958 and 0.07351; ExAC 0.10974; 1000 Genomes Project 30x 0.14616; 1000 Genomes Project 0.14856.
gnomAD v4.1: 44,398 of 1,541,710 alleles (2.9%); highest among the groups gnomAD compares: East Asian, 25%; 4,163 homozygotes.

Submissions (5):

Labcorp Genetics (formerly Invitae), Labcorp
Classification: Benign. Last evaluated: 2026-02-02. Review status: criteria provided, single submitter. Criteria: Invitae Variant Classification Sherloc (09022015). Collection method: clinical testing. Allele origin: germline.

Mayo Clinic Laboratories, Mayo Clinic
Classification: Benign. Last evaluated: 2022-03-23. Review status: criteria provided, single submitter. Criteria: ACMG Guidelines, 2015. Collection method: clinical testing. Allele origin: germline. Observed: 17 variant alleles.

GeneDx
Classification: Benign. Last evaluated: 2020-02-12. Review status: criteria provided, single submitter. Criteria: GeneDx Variant Classification Process June 2021. Collection method: clinical testing. Allele origin: germline. Affected: yes.

Breakthrough Genomics
Classification: Benign. Review status: criteria provided, single submitter. Criteria: ACMG Guidelines, 2015. Collection method: not provided. Allele origin: germline. Inheritance: Autosomal dominant inheritance. Affected: yes.

PreventionGenetics, part of Exact Sciences
Classification: Benign for TMEM240-related condition. Last evaluated: 2020-01-02. Review status: no assertion criteria provided. Collection method: clinical testing. Allele origin: germline. Not counted in ClinVar's aggregate classification.
Comment: This variant is classified as benign based on ACMG/AMP sequence variant interpretation guidelines (Richards et al. 2015 PMID: 25741868, with internal and published modifications).

NM_001114748.2(TMEM240):c.374-5C>T

Gene: TMEM240 (transmembrane protein 240; minus strand). Cytogenetic location: 1p36.33.
Variant type: single nucleotide variant.
Coding change: c.374-5C>T on transcript NM_001114748.2 (MANE Select); 5 bases into the intron before coding-DNA position 374, C replaced by T.
Molecular consequence: intron variant.
Genome position (GRCh38, 1-based): chr1:1,535,512, G>A on the plus strand (C>T on the coding strand, the complement: TMEM240 is on the minus strand). VCF-style: chr1-1535512-G-A. GRCh37 (hg19) VCF-style: chr1-1470892-G-A.
Other names: p.?; c.374-5C>T (NM_001114748.1).
Identifiers: ClinVar variation 1251252 (VCV001251252.11), dbSNP rs1106226, ClinGen allele CA526648.